The following is an entry in ClinVar:

NM_020435.4(GJC2):c.658A>G (p.Arg220Gly)

Gene: GJC2 (gap junction protein gamma 2; plus strand). Cytogenetic location: 1q42.13.
Variant type: single nucleotide variant.
Coding change: c.658A>G on transcript NM_020435.4 (MANE Select); coding-DNA position 658, A replaced by G.
Protein change: p.Arg220Gly; replaces arginine 220 with glycine.
Molecular consequence: missense variant.
Genome position (GRCh38, 1-based): chr1:228,158,416, A>G. VCF-style: chr1-228158416-A-G. GRCh37 (hg19) VCF-style: chr1-228346117-A-G.
Other names: short protein forms R220G.
Identifiers: ClinVar variation 1383596 (VCV001383596.6), dbSNP rs2124966578, ClinGen allele CA345098912.

ClinVar aggregate classification (germline): Uncertain significance (1 of 4 stars; one submission).

Conditions:
Spastic paraplegia. Identifiers: MedGen C0037772, HP:0001258.

Submission:

Labcorp Genetics (formerly Invitae), Labcorp
Classification: Uncertain significance for Spastic paraplegia. Last evaluated: 2021-12-02. Review status: criteria provided, single submitter. Criteria: Invitae Variant Classification Sherloc (09022015). Collection method: clinical testing. Allele origin: germline.
Comment: In summary, the available evidence is currently insufficient to determine the role of this variant in disease. Therefore, it has been classified as a Variant of Uncertain Significance. Algorithms developed to predict the effect of missense changes on protein structure and function (SIFT, PolyPhen-2, Align-GVGD) all suggest that this variant is likely to be disruptive. This missense change has been observed in individual(s) with clinical features of hereditary spastic paraplegia (Invitae). This variant is not present in population databases (gnomAD no frequency). This sequence change replaces arginine, which is basic and polar, with glycine, which is neutral and non-polar, at codon 220 of the GJC2 protein (p.Arg220Gly).